The following is an entry in ClinVar:

ClinVar aggregate classification (germline): Uncertain significance (1 of 4 stars; one submission).

Submission:

Labcorp Genetics (formerly Invitae), Labcorp
Classification: Uncertain significance. Last evaluated: 2022-04-24. Review status: criteria provided, single submitter. Criteria: Invitae Variant Classification Sherloc (09022015). Collection method: clinical testing. Allele origin: germline.
Comment: In summary, the available evidence is currently insufficient to determine the role of this variant in disease. Therefore, it has been classified as a Variant of Uncertain Significance. Algorithms developed to predict the effect of missense changes on protein structure and function (SIFT, PolyPhen-2, Align-GVGD) all suggest that this variant is likely to be tolerated. This variant has not been reported in the literature in individuals affected with TRMT5-related conditions. This variant is not present in population databases (gnomAD no frequency). This sequence change replaces proline, which is neutral and non-polar, with threonine, which is neutral and polar, at codon 380 of the TRMT5 protein (p.Pro380Thr).

NM_020810.3(TRMT5):c.1138C>A (p.Pro380Thr)

Gene: TRMT5 (tRNA methyltransferase 5; minus strand). Cytogenetic location: 14q23.1.
Variant type: single nucleotide variant.
Coding change: c.1138C>A on transcript NM_020810.3 (MANE Select); coding-DNA position 1138, C replaced by A.
Protein change: p.Pro380Thr; replaces proline 380 with threonine.
Molecular consequence: missense variant.
Genome position (GRCh38, 1-based): chr14:60,975,781, G>T on the plus strand (C>A on the coding strand, the complement: TRMT5 is on the minus strand). VCF-style: chr14-60975781-G-T. GRCh37 (hg19) VCF-style: chr14-61442499-G-T.
Other names: c.1222C>A, p.Pro408Thr (NM_001350253.1); c.1219C>A, p.Pro407Thr (NM_001350254.1); short protein forms P380T, P407T, P408T.
Identifiers: ClinVar variation 2130380 (VCV002130380.4), dbSNP rs2502985457, ClinGen allele CA389919333.
Genomic context (GRCh38, chr14:60,975,781, plus strand): 5'-TGAAAGCACTAAGAAACTCTATAGCTTTTGCTGGCAAGTTCATGACAACGTGCACAGAGG[G>T]TTTTCTTTCTTTTGACAGACCCAGCAGCTGCATTAACTCTTCTTTGACTGGTCCTTGGAG-3'
Protein context (NP_065861.3, residues 370-390): QLLGLSKERK[Pro380Thr]SVHVVMNLPA